The following is an entry in ClinVar:

NM_000308.4(CTSA):c.1247A>G (p.Asn416Ser)

Gene: CTSA (cathepsin A; plus strand). Cytogenetic location: 20q13.12.
Variant type: single nucleotide variant.
Coding change: c.1247A>G on transcript NM_000308.4 (MANE Select); coding-DNA position 1247, A replaced by G.
Protein change: p.Asn416Ser; replaces asparagine 416 with serine.
Molecular consequence: missense variant. On other transcripts: non-coding transcript variant (1).
Genome position (GRCh38, 1-based): chr20:45,897,799, A>G. VCF-style: chr20-45897799-A-G. GRCh37 (hg19) VCF-style: chr20-44526438-A-G.
Other names: c.1247A>G, p.Asn416Ser (NM_001127695.3); c.1196A>G, p.Asn399Ser (NM_001167594.3); short protein forms N416S, N399S.
Identifiers: ClinVar variation 1382140 (VCV001382140.6), dbSNP rs2145823832, ClinGen allele CA409254087.

ClinVar aggregate classification (germline): Uncertain significance (1 of 4 stars; one submission).

Conditions:
Combined deficiency of sialidase AND beta galactosidase (GSL). Also called: CATHEPSIN A DEFICIENCY; GOLDBERG SYNDROME; PPCA DEFICIENCY; PROTECTIVE PROTEIN/CATHEPSIN A DEFICIENCY; Galactosialidosis; NEURAMINIDASE DEFICIENCY WITH BETA-GALACTOSIDASE DEFICIENCY. Identifiers: Orphanet 351, MedGen C0268233, MONDO:0009737, OMIM 256540.

Submission:

Labcorp Genetics (formerly Invitae), Labcorp
Classification: Uncertain significance for Combined deficiency of sialidase AND beta galactosidase. Last evaluated: 2024-02-17. Review status: criteria provided, single submitter. Criteria: Invitae Variant Classification Sherloc (09022015). Collection method: clinical testing. Allele origin: germline.
Comment: This sequence change replaces asparagine with serine at codon 434 of the CTSA protein (p.Asn434Ser). The asparagine residue is moderately conserved and there is a small physicochemical difference between asparagine and serine. This variant is not present in population databases (gnomAD no frequency). This variant has not been reported in the literature in individuals affected with CTSA-related conditions. ClinVar contains an entry for this variant (Variation ID: 1382140). An algorithm developed to predict the effect of missense changes on protein structure and function (PolyPhen-2) suggests that this variant is likely to be tolerated. In summary, the available evidence is currently insufficient to determine the role of this variant in disease. Therefore, it has been classified as a Variant of Uncertain Significance.